The following is an entry in ClinVar:

ClinVar aggregate classification (germline): Uncertain significance (1 of 4 stars; one submission).

Submission:

GeneDx
Classification: Uncertain significance. Last evaluated: 2023-06-30. Review status: criteria provided, single submitter. Criteria: GeneDx Variant Classification Process June 2021. Collection method: clinical testing. Allele origin: germline. Affected: yes.
Comment: Not observed at significant frequency in large population cohorts (gnomAD); In silico analysis supports that this missense variant has a deleterious effect on protein structure/function; Has not been previously published as pathogenic or benign to our knowledge

NM_001395159.1(UNC79):c.4064G>T (p.Arg1355Leu)

Gene: UNC79 (unc-79 homolog, NALCN channel complex subunit; plus strand). Cytogenetic location: 14q32.12.
Variant type: single nucleotide variant.
Coding change: c.4064G>T on transcript NM_001395159.1 (MANE Select); coding-DNA position 4064, G replaced by T.
Protein change: p.Arg1355Leu; replaces arginine 1355 with leucine.
Molecular consequence: missense variant.
Genome position (GRCh38, 1-based): chr14:93,613,040, G>T. VCF-style: chr14-93613040-G-T. GRCh37 (hg19) VCF-style: chr14-94079386-G-T.
Other names: c.3998G>T, p.Arg1333Leu (NM_001346218.2); c.3467G>T, p.Arg1156Leu (NM_020818.5); short protein forms R1156L, R1333L, R1355L.
Identifiers: ClinVar variation 3360309 (VCV003360309.1).
Genomic context (GRCh38, chr14:93,613,040, plus strand): 5'-ACGTCTTACTCGGCTATGACCAGCAGGAAGGTTGCTTCATGATTGCACCTCAAAAAATGC[G>T]CCTGTCAACTTGCTTTAATGCATTCATTGCAGGAATTGCCCAAGTAAGTGTAATAACAGC-3'
Protein context (NP_001382088.1, residues 1345-1365): GCFMIAPQKM[Arg1355Leu]LSTCFNAFIA